The following is an entry in ClinVar:

ClinVar aggregate classification (germline): Uncertain significance (1 of 4 stars; one submission).

Conditions:
Autosomal recessive limb-girdle muscular dystrophy type 2L (LGMDR12). Also called: Limb-girdle muscular dystrophy, type 2L; MUSCULAR DYSTROPHY, LIMB-GIRDLE, AUTOSOMAL RECESSIVE 12; Limb-Girdle Muscular Dystrophy R12 Anoctamin-5-Related (LGMD-R12). Identifiers: Orphanet 206549, MedGen C1969785, MONDO:0012652, OMIM 611307.
Gnathodiaphyseal dysplasia (GDD). Also called: OSTEOGENESIS IMPERFECTA WITH UNUSUAL SKELETAL LESIONS; GNATHODIAPHYSEAL SCLEROSIS. Identifiers: Orphanet 53697, MedGen C1833736, MONDO:0008151, OMIM 166260.

Submission:

Labcorp Genetics (formerly Invitae), Labcorp
Classification: Uncertain significance for Autosomal recessive limb-girdle muscular dystrophy type 2L; Gnathodiaphyseal dysplasia. Last evaluated: 2022-07-06. Review status: criteria provided, single submitter. Criteria: Invitae Variant Classification Sherloc (09022015). Collection method: clinical testing. Allele origin: germline.
Comment: In summary, the available evidence is currently insufficient to determine the role of this variant in disease. Therefore, it has been classified as a Variant of Uncertain Significance. Advanced modeling of protein sequence and biophysical properties (such as structural, functional, and spatial information, amino acid conservation, physicochemical variation, residue mobility, and thermodynamic stability) performed at Invitae indicates that this missense variant is not expected to disrupt ANO5 protein function. ClinVar contains an entry for this variant (Variation ID: 1059768). This variant has not been reported in the literature in individuals affected with ANO5-related conditions. This variant is not present in population databases (gnomAD no frequency). This sequence change replaces leucine, which is neutral and non-polar, with valine, which is neutral and non-polar, at codon 740 of the ANO5 protein (p.Leu740Val).

NM_213599.3(ANO5):c.2218C>G (p.Leu740Val)

Gene: ANO5 (anoctamin 5; plus strand). Cytogenetic location: 11p14.3.
Variant type: single nucleotide variant.
Coding change: c.2218C>G on transcript NM_213599.3 (MANE Select); coding-DNA position 2218, C replaced by G.
Protein change: p.Leu740Val; replaces leucine 740 with valine.
Molecular consequence: missense variant.
Genome position (GRCh38, 1-based): chr11:22,272,972, C>G. VCF-style: chr11-22272972-C-G. GRCh37 (hg19) VCF-style: chr11-22294518-C-G.
Other names: c.2215C>G, p.Leu739Val (NM_001142649.2); short protein forms L739V, L740V.
Identifiers: ClinVar variation 1059768 (VCV001059768.9), dbSNP rs2133789024, ClinGen allele CA379924029.
Genomic context (GRCh38, chr11:22,272,972, plus strand): 5'-GTAGCTTCTAAAGCTCATAGCATAGGTGTTTGGCAAGACATTCTTTATGGAATGGCTGTC[C>G]TTTCTGTTGCAACTAATGTAAGTGGACCTATTTCGGTGGGGTGACTTTGTATTTCATTTT-3'
Protein context (NP_998764.1, residues 730-750): WQDILYGMAV[Leu740Val]SVATNAFIVA